The following is an entry in ClinVar:

NM_015466.4(PTPN23):c.3071A>C (p.Gln1024Pro)

Gene: PTPN23 (protein tyrosine phosphatase non-receptor type 23; plus strand). Cytogenetic location: 3p21.31.
Variant type: single nucleotide variant.
Coding change: c.3071A>C on transcript NM_015466.4 (MANE Select); coding-DNA position 3071, A replaced by C.
Protein change: p.Gln1024Pro; replaces glutamine 1024 with proline.
Molecular consequence: missense variant.
Genome position (GRCh38, 1-based): chr3:47,410,869, A>C. VCF-style: chr3-47410869-A-C. GRCh37 (hg19) VCF-style: chr3-47452359-A-C.
Other names: c.2693A>C, p.Gln898Pro (NM_001304482.2); c.3071A>C (NM_015466.2); short protein forms Q898P, Q1024P.
Identifiers: ClinVar variation 1385608 (VCV001385608.6), dbSNP rs534034755, ClinGen allele CA2366192.

ClinVar aggregate classification (germline): Uncertain significance. Review status: criteria provided, multiple submitters, no conflicts (2 of 4 stars). 2 submissions from 2 submitters: Uncertain significance (2). Last evaluated 2025-08-25.

Conditions:
Inborn genetic diseases. Identifiers: MedGen C0950123, MeSH D030342.

Allele frequency attached by ClinVar (database versions not stated): ExAC 0.00001; gnomAD exomes 0.00001; gnomAD 0.00004 and 0.00005; 1000 Genomes Project 0.00020; 1000 Genomes Project 30x 0.00062.
gnomAD v4.1: 11 of 1,581,376 alleles (0.0007%); highest among the groups gnomAD compares: African/African-American, 0.017%; no homozygotes.

Submissions (2):

Ambry Genetics
Classification: Uncertain significance for Inborn genetic diseases. Last evaluated: 2025-08-25. Review status: criteria provided, single submitter. Criteria: Ambry Variant Classification Scheme 2023. Collection method: clinical testing. Allele origin: germline.

Labcorp Genetics (formerly Invitae), Labcorp
Classification: Uncertain significance. Last evaluated: 2022-07-05. Review status: criteria provided, single submitter. Criteria: Invitae Variant Classification Sherloc (09022015). Collection method: clinical testing. Allele origin: germline.
Comment: This sequence change replaces glutamine, which is neutral and polar, with proline, which is neutral and non-polar, at codon 1024 of the PTPN23 protein (p.Gln1024Pro). This variant is present in population databases (rs534034755, gnomAD 0.01%). This variant has not been reported in the literature in individuals affected with PTPN23-related conditions. ClinVar contains an entry for this variant (Variation ID: 1385608). Algorithms developed to predict the effect of missense changes on protein structure and function output the following: SIFT: "Tolerated"; PolyPhen-2: "Benign"; Align-GVGD: "Class C0". The proline amino acid residue is found in multiple mammalian species, which suggests that this missense change does not adversely affect protein function. In summary, the available evidence is currently insufficient to determine the role of this variant in disease. Therefore, it has been classified as a Variant of Uncertain Significance.